The following is an entry in ClinVar:

NM_005045.4(RELN):c.246C>G (p.Thr82=)

Gene: RELN (reelin; minus strand). Cytogenetic location: 7q22.1.
Variant type: single nucleotide variant.
Coding change: c.246C>G on transcript NM_005045.4 (MANE Select); coding-DNA position 246, C replaced by G.
Protein change: p.Thr82=; no amino-acid change (threonine 82 retained).
Molecular consequence: synonymous variant.
Genome position (GRCh38, 1-based): chr7:103,917,166, G>C on the plus strand (C>G on the coding strand, the complement: RELN is on the minus strand). VCF-style: chr7-103917166-G-C. GRCh37 (hg19) VCF-style: chr7-103557613-G-C.
Other names: c.246C>G, p.Thr82= (NM_173054.3).
Identifiers: ClinVar variation 212034 (VCV000212034.46), dbSNP rs113242008, ClinGen allele CA208635.

ClinVar aggregate classification (germline): Benign/Likely benign. Review status: criteria provided, multiple submitters, no conflicts (2 of 4 stars). 7 submissions from 7 submitters: Benign (1); Likely benign (6). Last evaluated 2026-01-25.

Conditions:
Familial temporal lobe epilepsy 7. Identifiers: Orphanet 101046, MedGen C4225327, MONDO:0014639, OMIM 616436.
Norman-Roberts syndrome (LIS2). Also called: Lissencephaly 2 (Norman-Roberts type). Identifiers: Orphanet 89844, MedGen C0796089, MONDO:0009760, OMIM 257320.

Allele frequency attached by ClinVar (database versions not stated): gnomAD exomes 0.00012 and 0.00036; ExAC 0.00046; 1000 Genomes Project 0.00100; 1000 Genomes Project 30x 0.00109; gnomAD 0.00154 and 0.00171; TOPMed 0.00181; ESP Exome Variant Server 0.00185.
gnomAD v4.1: 425 of 1,613,282 alleles (0.026%); highest among the groups gnomAD compares: African/African-American, 0.5%; no homozygotes.

Submissions (7):

Labcorp Genetics (formerly Invitae), Labcorp
Classification: Benign for Familial temporal lobe epilepsy 7; Norman-Roberts syndrome. Last evaluated: 2026-01-25. Review status: criteria provided, single submitter. Criteria: Invitae Variant Classification Sherloc (09022015). Collection method: clinical testing. Allele origin: germline.

CeGaT Center for Human Genetics Tuebingen
Classification: Likely benign. Last evaluated: 2024-04-01. Review status: criteria provided, single submitter. Criteria: CeGaT Center For Human Genetics Tuebingen Variant Classification Criteria Version 2. Collection method: clinical testing. Allele origin: germline. Affected: yes. Observed: 1 variant allele.
Comment: RELN: BP4, BS1

Blueprint Genetics
Classification: Likely benign. Last evaluated: 2022-08-21. Review status: criteria provided, single submitter. Criteria: ACMG Guidelines, 2015. Collection method: clinical testing. Allele origin: germline.

GeneDx
Classification: Likely benign. Last evaluated: 2021-04-24. Review status: criteria provided, single submitter. Criteria: GeneDx Variant Classification Process June 2021. Collection method: clinical testing. Allele origin: germline. Affected: yes.

Genetic Services Laboratory, University of Chicago
Classification: Likely benign. Last evaluated: 2019-10-07. Review status: criteria provided, single submitter. Criteria: ACMG Guidelines, 2015. Collection method: clinical testing. Allele origin: germline. Affected: no.

Eurofins Ntd Llc (ga)
Classification: Likely benign. Last evaluated: 2018-04-05. Review status: criteria provided, single submitter. Criteria: EGL ClinVar v180209 classification definitions. Collection method: clinical testing. Allele origin: germline. Observed: 1 variant allele, 1 heterozygote.

Illumina Laboratory Services, Illumina
Classification: Likely benign for Norman-Roberts syndrome. Last evaluated: 2018-01-13. Review status: criteria provided, single submitter. Criteria: ICSL Variant Classification Criteria 13 December 2019. Collection method: clinical testing. Allele origin: germline.
Comment: This variant was observed in the ICSL laboratory as part of a predisposition screen in an ostensibly healthy population. It had not been previously curated by ICSL or reported in the Human Gene Mutation Database (HGMD: prior to June 1st, 2018), and was therefore a candidate for classification through an automated scoring system. Utilizing variant allele frequency, disease prevalence and penetrance estimates, and inheritance mode, an automated score was calculated to assess if this variant is too frequent to cause the disease. Based on the score and internal cut-off values, a variant classified as likely benign is not then subjected to further curation. The score for this variant resulted in a classification of likely benign for this disease.